The following is an entry in ClinVar:

ClinVar aggregate classification (germline): Likely benign (1 of 4 stars; one submission).

Conditions:
ECE1-related disorder. Also called: ECE1-related condition.

Submission:

PreventionGenetics, part of Exact Sciences
Classification: Likely benign for ECE1-related condition. Last evaluated: 2026-06-22. Review status: criteria provided, single submitter. Criteria: ACMG Guidelines, 2015. Collection method: clinical testing. Allele origin: germline.
Comment: This variant is classified as likely benign based on ACMG/AMP sequence variant interpretation guidelines (Richards et al. 2015 PMID: 25741868, with internal and published modifications).

NM_001397.3(ECE1):c.202C>A (p.Arg68=)

Gene: ECE1 (endothelin converting enzyme 1; minus strand). Cytogenetic location: 1p36.12.
Variant type: single nucleotide variant.
Coding change: c.202C>A on transcript NM_001397.3 (MANE Select); coding-DNA position 202, C replaced by A.
Protein change: p.Arg68=; no amino-acid change (arginine 68 retained).
Molecular consequence: synonymous variant.
Genome position (GRCh38, 1-based): chr1:21,279,269, G>T on the plus strand (C>A on the coding strand, the complement: ECE1 is on the minus strand). VCF-style: chr1-21279269-G-T. GRCh37 (hg19) VCF-style: chr1-21605762-G-T.
Other names: c.166C>A, p.Arg56= (NM_001113347.2); c.154C>A, p.Arg52= (NM_001113348.2); c.193C>A, p.Arg65= (NM_001113349.2).
Identifiers: ClinVar variation 4992377 (VCV004992377.1).